The following is an entry in ClinVar:

ClinVar aggregate classification (germline): Uncertain significance (1 of 4 stars; one submission).

Conditions:
Vici syndrome (VICIS). Identifiers: Orphanet 1493, MedGen C1855772, MONDO:0009452, OMIM 242840.

Allele frequency attached by ClinVar (database versions not stated): TOPMed below 0.00001; gnomAD exomes 0.00001.
gnomAD v4.1: 8 of 1,611,642 alleles (0.0005%); highest among the groups gnomAD compares: Non-Finnish European, 0.00068%; no homozygotes.

Submissions (2):

Labcorp Genetics (formerly Invitae), Labcorp
Classification: Uncertain significance for Vici syndrome. Last evaluated: 2021-03-27. Review status: criteria provided, single submitter. Criteria: Invitae Variant Classification Sherloc (09022015). Collection method: clinical testing. Allele origin: germline.
Comment: In summary, the available evidence is currently insufficient to determine the role of this variant in disease. Therefore, it has been classified as a Variant of Uncertain Significance. Nucleotide substitutions within the consensus splice site are a relatively common cause of aberrant splicing (PMID: 17576681, 9536098). Algorithms developed to predict the effect of sequence changes on RNA splicing suggest that this variant is not likely to affect RNA splicing, but this prediction has not been confirmed by published transcriptional studies. This variant has not been reported in the literature in individuals with EPG5-related conditions. This variant is not present in population databases (ExAC no frequency). This sequence change falls in intron 42 of the EPG5 gene. It does not directly change the encoded amino acid sequence of the EPG5 protein. It affects a nucleotide within the consensus splice site of the intron.

Dr. Peter K. Rogan Lab, Western University
No classification provided (evidence only). Condition: Melanoma. Review status: no classification provided. Collection method: in vitro. Allele origin: not applicable. Functional consequence: retained intron. Not counted in ClinVar's aggregate classification.

Literature cited by the submitters: PubMed 17576681 (cited by Labcorp Genetics (formerly Invitae), Labcorp); PubMed 9536098 (cited by Labcorp Genetics (formerly Invitae), Labcorp).

NM_020964.3(EPG5):c.7442+5G>A

Gene: EPG5 (ectopic P-granules 5 autophagy tethering factor; minus strand). Cytogenetic location: 18q12.3.
Variant type: single nucleotide variant.
Coding change: c.7442+5G>A on transcript NM_020964.3 (MANE Select); 5 bases into the intron after coding-DNA position 7442, G replaced by A.
Molecular consequence: intron variant.
Genome position (GRCh38, 1-based): chr18:45,857,848, C>T on the plus strand (G>A on the coding strand, the complement: EPG5 is on the minus strand). VCF-style: chr18-45857848-C-T. GRCh37 (hg19) VCF-style: chr18-43437813-C-T.
Identifiers: ClinVar variation 1380314 (VCV001380314.8), dbSNP rs1177839830, ClinGen allele CA2300568319.